The following is an entry in ClinVar:

ClinVar aggregate classification (germline): Uncertain significance (1 of 4 stars; one submission).

Conditions:
Primary ciliary dyskinesia 6. Also called: Primary Ciliary Dyskinesia 6: TXNDC3-Related Primary Ciliary Dyskinesia. Identifiers: Orphanet 244, MedGen C1970506, MONDO:0012571, OMIM 610852.

Allele frequency attached by ClinVar (database versions not stated): gnomAD 0.00001; gnomAD exomes 0.00001; ExAC 0.00002; TOPMed 0.00002; 1000 Genomes Project 30x 0.00016; 1000 Genomes Project 0.00020.
gnomAD v4.1: 18 of 1,612,352 alleles (0.0011%); highest among the groups gnomAD compares: Middle Eastern, 0.017%; no homozygotes.

Submission:

Labcorp Genetics (formerly Invitae), Labcorp
Classification: Uncertain significance for Primary ciliary dyskinesia 6. Last evaluated: 2026-01-02. Review status: criteria provided, single submitter. Criteria: Invitae Variant Classification Sherloc (09022015). Collection method: clinical testing. Allele origin: germline.
Comment: This sequence change replaces glutamic acid, which is acidic and polar, with lysine, which is basic and polar, at codon 211 of the NME8 protein (p.Glu211Lys). This variant is present in population databases (rs546529254, gnomAD 0.04%). This variant has not been reported in the literature in individuals affected with NME8-related conditions. ClinVar contains an entry for this variant (Variation ID: 2196014). Invitae Evidence Modeling of protein sequence and biophysical properties (such as structural, functional, and spatial information, amino acid conservation, physicochemical variation, residue mobility, and thermodynamic stability) indicates that this missense variant is expected to disrupt NME8 protein function with a positive predictive value of 80%. Algorithms developed to predict the effect of sequence changes on RNA splicing suggest that this variant may disrupt the consensus splice site. In summary, the available evidence is currently insufficient to determine the role of this variant in disease. Therefore, it has been classified as a Variant of Uncertain Significance.

NM_016616.5(NME8):c.631G>A (p.Glu211Lys)

Gene: NME8 (NME/NM23 family member 8; plus strand). Cytogenetic location: 7p14.1.
Variant type: single nucleotide variant.
Coding change: c.631G>A on transcript NM_016616.5 (MANE Select); coding-DNA position 631, G replaced by A.
Protein change: p.Glu211Lys; replaces glutamic acid 211 with lysine.
Molecular consequence: missense variant.
Genome position (GRCh38, 1-based): chr7:37,867,711, G>A. VCF-style: chr7-37867711-G-A. GRCh37 (hg19) VCF-style: chr7-37907313-G-A.
Other names: short protein forms E211K.
Identifiers: ClinVar variation 2196014 (VCV002196014.4), dbSNP rs546529254, ClinGen allele CA4222293.